The following is an entry in ClinVar:

NM_000287.4(PEX6):c.1287_1288del (p.Trp430fs)

Gene: PEX6 (peroxisomal biogenesis factor 6; minus strand). Cytogenetic location: 6p21.1.
Variant type: Microsatellite.
Coding change: c.1287_1288del on transcript NM_000287.4 (MANE Select); coding-DNA positions 1287 to 1288, 2 bases deleted (CT; older notation c.1287_1288delCT).
Protein change: p.Trp430fs; shifts the reading frame from tryptophan 430.
Molecular consequence: frameshift variant. On other transcripts: non-coding transcript variant (1).
Genome position (GRCh38, 1-based): chr6:42,969,747-42,969,748, AG deleted on the plus strand (CT on the coding strand, the reverse complement: PEX6 is on the minus strand); deleting any 2 consecutive bases within chr6:42,969,747-42,969,752 gives the same sequence; the c. name uses the placement nearest the transcript's 3' end. VCF-style (leftmost placement, unchanged base first): chr6-42969746-CAG-C. GRCh37 (hg19) VCF-style: chr6-42937484-CAG-C.
Other names: c.1023_1024del, p.Trp342fs (NM_001316313.2); short protein forms W342fs, W430fs.
Identifiers: ClinVar variation 3604068 (VCV003604068.3).

ClinVar aggregate classification (germline): Pathogenic. Review status: criteria provided, multiple submitters, no conflicts (2 of 4 stars). 2 submissions from 2 submitters: Pathogenic (2). Last evaluated 2024-06-04.

Conditions:
Peroxisome biogenesis disorder. Identifiers: Orphanet 79189, MedGen C1832200, MONDO:0019234. Disease mechanism: loss of function.

Submissions (2):

Myriad Genetics, Inc.
Classification: Pathogenic for Peroxisome biogenesis disorder. Last evaluated: 2024-06-04. Review status: criteria provided, single submitter. Criteria: Myriad Autosomal Dominant, Autosomal Recessive and X-Linked Classification Criteria (2023). Collection method: clinical testing. Allele origin: unknown.
Comment: NM_000287.3(PEX6):c.1287_1288delCT(W430Efs*14) is expected to be pathogenic in the context of peroxisome biogenesis disorder type 4. This variant is predicted to lead to an abnormal or absent protein product due to the creation of a premature termination codon in PEX6, a gene where loss-of-function variants are known to be pathogenic. Please note: this variant was assessed in the context of healthy population screening.

Labcorp Genetics (formerly Invitae), Labcorp
Classification: Pathogenic for Peroxisome biogenesis disorder. Last evaluated: 2024-03-09. Review status: criteria provided, single submitter. Criteria: Invitae Variant Classification Sherloc (09022015). Collection method: clinical testing. Allele origin: germline.
Comment: This sequence change creates a premature translational stop signal (p.Trp430Glufs*14) in the PEX6 gene. It is expected to result in an absent or disrupted protein product. Loss-of-function variants in PEX6 are known to be pathogenic (PMID: 10408779, 21031596, 31831025). This variant is not present in population databases (gnomAD no frequency). This variant has not been reported in the literature in individuals affected with PEX6-related conditions. For these reasons, this variant has been classified as Pathogenic.

Literature cited by the submitters: PubMed 10408779 (cited by Labcorp Genetics (formerly Invitae), Labcorp); PubMed 21031596 (cited by Labcorp Genetics (formerly Invitae), Labcorp); PubMed 31831025 (cited by Labcorp Genetics (formerly Invitae), Labcorp).